The following is an entry in ClinVar:

ClinVar aggregate classification (germline): Uncertain significance. Review status: criteria provided, multiple submitters, no conflicts (2 of 4 stars). 2 submissions from 2 submitters: Uncertain significance (2). Last evaluated 2024-09-14.

Conditions:
Hereditary cancer-predisposing syndrome. Also called: Neoplastic Syndromes, Hereditary; Tumor predisposition; Hereditary Cancer Syndrome; Hereditary neoplastic syndrome. Identifiers: Orphanet 140162, MedGen C0027672, MeSH D009386, MONDO:0015356.
Ataxia-telangiectasia syndrome (AT). Also called: LOUIS-BAR SYNDROME; Cerebello-oculocutaneous telangiectasia; Immunodeficiency with ataxia telangiectasia; Ataxia telangiectasia (A-T); Ataxia-telangiectasia, complementation group D; AT, COMPLEMENTATION GROUP C. Identifiers: Orphanet 100, MedGen C0004135, MONDO:0008840, OMIM 208900.

Allele frequency attached by ClinVar (database versions not stated): gnomAD exomes below 0.00001; TOPMed below 0.00001.
gnomAD v4.1: 1 of 1,613,632 alleles (0.000062%); highest among the groups gnomAD compares: Non-Finnish European, 0.000085%; no homozygotes.

Submissions (2):

Labcorp Genetics (formerly Invitae), Labcorp
Classification: Uncertain significance for Ataxia-telangiectasia syndrome. Last evaluated: 2024-09-14. Review status: criteria provided, single submitter. Criteria: Invitae Variant Classification Sherloc (09022015). Collection method: clinical testing. Allele origin: germline.
Comment: This sequence change replaces glutamic acid, which is acidic and polar, with lysine, which is basic and polar, at codon 2245 of the ATM protein (p.Glu2245Lys). This variant is not present in population databases (gnomAD no frequency). This variant has not been reported in the literature in individuals affected with ATM-related conditions. ClinVar contains an entry for this variant (Variation ID: 1484028). An algorithm developed to predict the effect of missense changes on protein structure and function (PolyPhen-2) suggests that this variant is likely to be tolerated. In summary, the available evidence is currently insufficient to determine the role of this variant in disease. Therefore, it has been classified as a Variant of Uncertain Significance.

Ambry Genetics
Classification: Uncertain significance for Hereditary cancer-predisposing syndrome. Last evaluated: 2022-10-11. Review status: criteria provided, single submitter. Criteria: Ambry Variant Classification Scheme 2023. Collection method: clinical testing. Allele origin: germline.
Comment: The p.E2245K variant (also known as c.6733G>A), located in coding exon 45 of the ATM gene, results from a G to A substitution at nucleotide position 6733. The glutamic acid at codon 2245 is replaced by lysine, an amino acid with similar properties. This amino acid position is conserved. In addition, this alteration is predicted to be tolerated by in silico analysis. Since supporting evidence is limited at this time, the clinical significance of this alteration remains unclear.

NM_000051.4(ATM):c.6733G>A (p.Glu2245Lys)

Genes: ATM (ATM serine/threonine kinase; plus strand), C11orf65 (chromosome 11 open reading frame 65; minus strand). Cytogenetic location: 11q22.3.
Variant type: single nucleotide variant.
Coding change: c.6733G>A on transcript NM_000051.4 (MANE Select); coding-DNA position 6733, G replaced by A.
Protein change: p.Glu2245Lys; replaces glutamic acid 2245 with lysine.
Molecular consequence: missense variant. On other transcripts: intron variant (2).
Genome position (GRCh38, 1-based): chr11:108,325,470, G>A. VCF-style: chr11-108325470-G-A. GRCh37 (hg19) VCF-style: chr11-108196197-G-A.
Other names: c.6733G>A, p.Glu2245Lys (NM_001351834.2); c.641-16399C>T (NM_001330368.2); c.*38+9750C>T (NM_001351110.2); short protein forms E2245K.
Identifiers: ClinVar variation 1484028 (VCV001484028.10), dbSNP rs2085572299, ClinGen allele CA382555149.